The following is an entry in ClinVar:

ClinVar aggregate classification (germline): Pathogenic. Review status: criteria provided, multiple submitters, no conflicts (2 of 4 stars). 3 submissions from 3 submitters: Pathogenic (3). Last evaluated 2025-10-25.

Conditions:
KRIT1-related disorder. Also called: KRIT1-related condition; KRIT1-related disorders.
Cerebral cavernous malformation (CCM). Also called: CAVERNOUS ANGIOMA, FAMILIAL; CAVERNOUS ANGIOMATOUS MALFORMATIONS; CEREBRAL CAPILLARY MALFORMATIONS; Cerebral cavernous malformations; Cavernous Hemangioma of Brain; Cerebral cavernous hemangioma (type). Identifiers: Orphanet 221061, MedGen C2919945, MONDO:0000820, OMIM 116860, HP:0033522.

Submissions (3):

Labcorp Genetics (formerly Invitae), Labcorp
Classification: Pathogenic for Cerebral cavernous malformation. Last evaluated: 2025-10-25. Review status: criteria provided, single submitter. Criteria: Invitae Variant Classification Sherloc (09022015). Collection method: clinical testing. Allele origin: germline.
Comment: This sequence change creates a premature translational stop signal (p.Gln445*) in the KRIT1 gene. It is expected to result in an absent or disrupted protein product. Loss-of-function variants in KRIT1 are known to be pathogenic (PMID: 10508515, 11222804, 12404106, 24689081). This variant is not present in population databases (gnomAD no frequency). This premature translational stop signal has been observed in individual(s) with clinical features of cerebral cavernous malformations (internal data). ClinVar contains an entry for this variant (Variation ID: 1068679). Algorithms developed to predict the effect of sequence changes on RNA splicing suggest that this variant may disrupt the consensus splice site. For these reasons, this variant has been classified as Pathogenic.

Blueprint Genetics
Classification: Pathogenic for KRIT1-related disorders. Last evaluated: 2024-05-24. Review status: criteria provided, single submitter. Criteria: ACMG Guidelines, 2015. Collection method: clinical testing. Allele origin: germline. Affected: yes. Observed: 2 variant alleles.

ARUP Laboratories, Molecular Genetics and Genomics, ARUP Laboratories
Classification: Pathogenic. Last evaluated: 2022-07-15. Review status: criteria provided, single submitter. Criteria: ARUP Molecular Germline Variant Investigation Process 2021. Collection method: clinical testing. Allele origin: germline.
Comment: The KRIT1 c.1333C>T; p.Gln445Ter variant, to our knowledge, is not reported in the medical literature but is reported in ClinVar (Variation ID: 1068679). This variant is also absent from the Genome Aggregation Database, indicating it is not a common polymorphism. This variant induces an early termination codon and is predicted to result in a truncated protein or mRNA subject to nonsense-mediated decay. Additionally, several downstream truncating variants have been described in individuals with cerebral cavernous malformations and are considered pathogenic (Riant 2013). Based on available information, this variant is considered to be pathogenic. References: Riant F et al. CCM molecular screening in a diagnosis context: novel unclassified variants leading to abnormal splicing and importance of large deletions. Neurogenetics. 2013 May;14(2):133-41. PMID: 23595507.

Literature cited by the submitters: PubMed 10508515 (cited by Labcorp Genetics (formerly Invitae), Labcorp); PubMed 11222804 (cited by Labcorp Genetics (formerly Invitae), Labcorp); PubMed 12404106 (cited by Labcorp Genetics (formerly Invitae), Labcorp); PubMed 24689081 (cited by Labcorp Genetics (formerly Invitae), Labcorp).

NM_194454.3(KRIT1):c.1333C>T (p.Gln445Ter)

Gene: KRIT1 (KRIT1 ankyrin repeat containing; minus strand). Cytogenetic location: 7q21.2.
Variant type: single nucleotide variant.
Coding change: c.1333C>T on transcript NM_194454.3 (MANE Select); coding-DNA position 1333, C replaced by T.
Protein change: p.Gln445Ter; replaces glutamine 445 with a stop codon.
Molecular consequence: nonsense.
Genome position (GRCh38, 1-based): chr7:92,222,900, G>A on the plus strand (C>T on the coding strand, the complement: KRIT1 is on the minus strand). VCF-style: chr7-92222900-G-A. GRCh37 (hg19) VCF-style: chr7-91852214-G-A.
Other names: c.1189C>T, p.Gln397Ter (NM_001013406.2, NM_001350669.1, NM_001350670.1); c.619C>T, p.Gln207Ter (NM_001350671.1); c.1333C>T, p.Gln445Ter (NM_001350672.1, NM_001350673.1, NM_001350674.1 and 26 more transcripts); short protein forms Q207*, Q397*, Q445*.
Identifiers: ClinVar variation 1068679 (VCV001068679.12), dbSNP rs2131454006, ClinGen allele CA368147528.